The following is an entry in ClinVar:

NM_000540.3(RYR1):c.12625-12C>G

Gene: RYR1 (ryanodine receptor 1; plus strand). Cytogenetic location: 19q13.2.
Variant type: single nucleotide variant.
Coding change: c.12625-12C>G on transcript NM_000540.3 (MANE Select); 12 bases into the intron before coding-DNA position 12625, C replaced by G.
Molecular consequence: intron variant.
Genome position (GRCh38, 1-based): chr19:38,564,947, C>G. VCF-style: chr19-38564947-C-G. GRCh37 (hg19) VCF-style: chr19-39055587-C-G.
Other names: c.12610-12C>G (NM_001042723.2).
Identifiers: ClinVar variation 2416495 (VCV002416495.7), dbSNP rs2514673677, ClinGen allele CA2580097176.

ClinVar aggregate classification (germline): Conflicting classifications of pathogenicity. Review status: criteria provided, conflicting classifications (1 of 4 stars). 2 submissions from 2 submitters: Uncertain significance (1); Likely benign (1). Last evaluated 2023-11-20.

Conditions:
RYR1-related disorder. Also called: RYR1-related condition; RYR1-related disorders. Identifiers: MedGen CN239331.
Malignant hyperthermia, susceptibility to, 1 (MHS1). Also called: Anesthesia related hyperthermia; Malignant hyperpyrexia; Fulminating hyperpyrexia; Pharmacogenic myopathy; RYR1-Related Malignant Hyperthermia Susceptibility; Malignant hyperthermia suceptibility 1. Identifiers: Orphanet 423, MedGen C2930980, MONDO:0007783, OMIM 145600.

gnomAD v4.1: 2 of 1,569,438 alleles (0.00013%); highest among the groups gnomAD compares: African/African-American, 0.0027%; no homozygotes.

Submissions (2):

All of Us Research Program, National Institutes of Health
Classification: Uncertain significance for Malignant hyperthermia, susceptibility to, 1. Last evaluated: 2023-11-20. Review status: criteria provided, single submitter. Criteria: ACMG Guidelines, 2015. Collection method: clinical testing. Allele origin: germline. Inheritance: Autosomal dominant inheritance. Observed: 2 variant alleles, 2 heterozygotes.
Comment: This variant causes a C to G nucleotide substitution at the -12 position of intron 90 of the RYR1 gene. To our knowledge, functional studies have not been reported for this variant. This variant has not been reported in individuals affected with RYR1-related disorders in the literature. This variant has not been identified in the general population by the Genome Aggregation Database (gnomAD). The available evidence is insufficient to determine the role of this variant in disease conclusively. Therefore, this variant is classified as a Variant of Uncertain Significance.

This study involves interpretation of variants in research participants for the purpose of population health screening. Participant phenotype was not available at the time of variant classification. Additional details can be found in publication PMID: 35346344, PMCID: PMC8962531

Labcorp Genetics (formerly Invitae), Labcorp
Classification: Likely benign for RYR1-related disorder. Last evaluated: 2023-11-06. Review status: criteria provided, single submitter. Criteria: Invitae Variant Classification Sherloc (09022015). Collection method: clinical testing. Allele origin: germline.